The following is an entry in ClinVar:

NM_002972.4(SBF1):c.3895G>A (p.Ala1299Thr)

Gene: SBF1 (SET binding factor 1; minus strand). Cytogenetic location: 22q13.33.
Variant type: single nucleotide variant.
Coding change: c.3895G>A on transcript NM_002972.4 (MANE Select); coding-DNA position 3895, G replaced by A.
Protein change: p.Ala1299Thr; replaces alanine 1299 with threonine.
Molecular consequence: missense variant. On other transcripts: intron variant (1).
Genome position (GRCh38, 1-based): chr22:50,457,043, C>T on the plus strand (G>A on the coding strand, the complement: SBF1 is on the minus strand). VCF-style: chr22-50457043-C-T. GRCh37 (hg19) VCF-style: chr22-50895472-C-T.
Other names: p.Ala1299Thr; c.3830-370G>A (NM_001365819.1); c.3895G>A (NM_002972.2); short protein forms A1299T.
Identifiers: ClinVar variation 1509439 (VCV001509439.5), dbSNP rs761548255, ClinGen allele CA10316507.

ClinVar aggregate classification (germline): Uncertain significance. Review status: criteria provided, multiple submitters, no conflicts (2 of 4 stars). 4 submissions from 4 submitters: Uncertain significance (4). Last evaluated 2025-05-07.

Allele frequency attached by ClinVar (database versions not stated): gnomAD 0.00003 and 0.00004.

Submissions (4):

Mayo Clinic Laboratories, Mayo Clinic
Classification: Uncertain significance. Last evaluated: 2025-05-07. Review status: criteria provided, single submitter. Criteria: ACMG Guidelines, 2015. Collection method: clinical testing. Allele origin: germline. Observed: 1 variant allele.
Comment: BP4_moderate

Ambry Genetics
Classification: Uncertain significance. Last evaluated: 2024-08-01. Review status: criteria provided, single submitter. Criteria: Ambry Variant Classification Scheme 2023. Collection method: clinical testing. Allele origin: germline.

GeneDx
Classification: Uncertain significance. Last evaluated: 2023-03-03. Review status: criteria provided, single submitter. Criteria: GeneDx Variant Classification Process June 2021. Collection method: clinical testing. Allele origin: germline. Affected: yes.
Comment: Not observed at significant frequency in large population cohorts (gnomAD); In silico analysis supports that this missense variant does not alter protein structure/function; Has not been previously published as pathogenic or benign to our knowledge

Labcorp Genetics (formerly Invitae), Labcorp
Classification: Uncertain significance. Last evaluated: 2022-08-10. Review status: criteria provided, single submitter. Criteria: Invitae Variant Classification Sherloc (09022015). Collection method: clinical testing. Allele origin: germline.
Comment: This sequence change replaces alanine, which is neutral and non-polar, with threonine, which is neutral and polar, at codon 1299 of the SBF1 protein (p.Ala1299Thr). This variant is not present in population databases (gnomAD no frequency). This variant has not been reported in the literature in individuals affected with SBF1-related conditions. ClinVar contains an entry for this variant (Variation ID: 1509439). Algorithms developed to predict the effect of missense changes on protein structure and function output the following: SIFT: "Tolerated"; PolyPhen-2: "Benign"; Align-GVGD: "Class C0". The threonine amino acid residue is found in multiple mammalian species, which suggests that this missense change does not adversely affect protein function. In summary, the available evidence is currently insufficient to determine the role of this variant in disease. Therefore, it has been classified as a Variant of Uncertain Significance.